The following is an entry in ClinVar:

NM_020158.4(EXOSC5):c.50C>T (p.Thr17Ile)

Gene: EXOSC5 (exosome component 5; minus strand). Cytogenetic location: 19q13.2.
Variant type: single nucleotide variant.
Coding change: c.50C>T on transcript NM_020158.4 (MANE Select); coding-DNA position 50, C replaced by T.
Protein change: p.Thr17Ile; replaces threonine 17 with isoleucine.
Molecular consequence: missense variant.
Genome position (GRCh38, 1-based): chr19:41,397,279, G>A on the plus strand (C>T on the coding strand, the complement: EXOSC5 is on the minus strand). VCF-style: chr19-41397279-G-A. GRCh37 (hg19) VCF-style: chr19-41903184-G-A.
Other names: short protein forms T17I.
Identifiers: ClinVar variation 1695838 (VCV001695838.5), dbSNP rs757053812, ClinGen allele CA9460916.

ClinVar aggregate classification (germline): Uncertain significance. Review status: criteria provided, multiple submitters, no conflicts (2 of 4 stars). 2 submissions from 2 submitters: Uncertain significance (2). Last evaluated 2022-04-07.

Conditions:
Inborn genetic diseases. Identifiers: MedGen C0950123, MeSH D030342.

Allele frequency attached by ClinVar (database versions not stated): gnomAD exomes 0.00001 and 0.00002; ExAC 0.00002.
gnomAD v4.1: 9 of 1,614,120 alleles (0.00056%); highest among the groups gnomAD compares: African/African-American, 0.0013%; no homozygotes.

Submissions (2):

Ambry Genetics
Classification: Uncertain significance for Inborn genetic diseases. Last evaluated: 2022-04-07. Review status: criteria provided, single submitter. Criteria: Ambry Variant Classification Scheme 2023. Collection method: clinical testing. Allele origin: germline.

GeneDx
Classification: Uncertain significance. Last evaluated: 2022-01-06. Review status: criteria provided, single submitter. Criteria: GeneDx Variant Classification Process June 2021. Collection method: clinical testing. Allele origin: germline. Affected: yes.
Comment: In silico analysis supports that this missense variant does not alter protein structure/function; Has not been previously published as pathogenic or benign to our knowledge